The following is an entry in ClinVar:

NM_013275.6(ANKRD11):c.6899C>T (p.Ala2300Val)

Gene: ANKRD11 (ankyrin repeat domain 11; minus strand). Cytogenetic location: 16q24.3.
Variant type: single nucleotide variant.
Coding change: c.6899C>T on transcript NM_013275.6 (MANE Select); coding-DNA position 6899, C replaced by T.
Protein change: p.Ala2300Val; replaces alanine 2300 with valine.
Molecular consequence: missense variant.
Genome position (GRCh38, 1-based): chr16:89,279,643, G>A on the plus strand (C>T on the coding strand, the complement: ANKRD11 is on the minus strand). VCF-style: chr16-89279643-G-A. GRCh37 (hg19) VCF-style: chr16-89346051-G-A.
Other names: c.6899C>T (NM_013275.4); c.6899C>T, p.Ala2300Val (NM_001256182.2, NM_001256183.2); short protein forms A2300V.
Identifiers: ClinVar variation 1205478 (VCV001205478.13), dbSNP rs903253722, ClinGen allele CA286509692.

ClinVar aggregate classification (germline): Conflicting classifications of pathogenicity. Review status: criteria provided, conflicting classifications (1 of 4 stars). 6 submissions from 6 submitters: Uncertain significance (1); Likely benign (4). 1 of the submissions does not count toward it. Last evaluated 2026-09-01.

Conditions:
Inborn genetic diseases. Identifiers: MedGen C0950123, MeSH D030342.
KBG syndrome (KBGS). Also called: ANKRD11-Related KBG Syndrome. Identifiers: Orphanet 2332, MedGen C0220687, MONDO:0007846, OMIM 148050.
ANKRD11-related disorder. Also called: ANKRD11-related condition.

Allele frequency attached by ClinVar (database versions not stated): gnomAD exomes 0.00002 and 0.00007; gnomAD 0.00009; TOPMed 0.00013; 1000 Genomes Project 30x 0.00047.
gnomAD v4.1: 38 of 1,439,954 alleles (0.0026%); highest among the groups gnomAD compares: Admixed American, 0.033%; no homozygotes.

Submissions (6):

CeGaT Center for Human Genetics Tuebingen
Classification: Likely benign. Last evaluated: 2026-09-01. Review status: criteria provided, single submitter. Criteria: CeGaT Center For Human Genetics Tuebingen Variant Classification Criteria Version 2. Collection method: clinical testing. Allele origin: germline. Affected: yes. Observed: 1 variant allele.
Comment: ANKRD11: BP4

Women's Health and Genetics/Laboratory Corporation of America, LabCorp
Classification: Uncertain significance. Last evaluated: 2026-05-13. Review status: criteria provided, single submitter. Criteria: LabCorp Variant Classification Summary - May 2015. Collection method: clinical testing. Allele origin: germline.

Labcorp Genetics (formerly Invitae), Labcorp
Classification: Likely benign for KBG syndrome. Last evaluated: 2025-05-11. Review status: criteria provided, single submitter. Criteria: Invitae Variant Classification Sherloc (09022015). Collection method: clinical testing. Allele origin: germline.

Ambry Genetics
Classification: Likely benign for Inborn genetic diseases. Last evaluated: 2021-12-17. Review status: criteria provided, single submitter. Criteria: Ambry Variant Classification Scheme 2023. Collection method: clinical testing. Allele origin: germline.

GeneDx
Classification: Likely benign. Last evaluated: 2019-07-24. Review status: criteria provided, single submitter. Criteria: GeneDx Variant Classification Process June 2021. Collection method: clinical testing. Allele origin: germline. Affected: yes.

PreventionGenetics, part of Exact Sciences
Classification: Likely benign for ANKRD11-related condition. Last evaluated: 2023-02-20. Review status: no assertion criteria provided. Collection method: clinical testing. Allele origin: germline. Not counted in ClinVar's aggregate classification.
Comment: This variant is classified as likely benign based on ACMG/AMP sequence variant interpretation guidelines (Richards et al. 2015 PMID: 25741868, with internal and published modifications).